The following is an entry in ClinVar:

NM_001364905.1(LRBA):c.7642G>A (p.Ala2548Thr)

Gene: LRBA (LPS responsive beige-like anchor protein; minus strand). Cytogenetic location: 4q31.3.
Variant type: single nucleotide variant.
Coding change: c.7642G>A on transcript NM_001364905.1 (MANE Select); coding-DNA position 7642, G replaced by A.
Protein change: p.Ala2548Thr; replaces alanine 2548 with threonine.
Molecular consequence: missense variant.
Genome position (GRCh38, 1-based): chr4:150,315,612, C>T on the plus strand (G>A on the coding strand, the complement: LRBA is on the minus strand). VCF-style: chr4-150315612-C-T. GRCh37 (hg19) VCF-style: chr4-151236764-C-T.
Other names: c.7642G>A, p.Ala2548Thr (NM_001199282.3); c.7657G>A, p.Ala2553Thr (NM_001367550.1); c.7675G>A, p.Ala2559Thr (NM_006726.5); short protein forms A2559T, A2553T, A2548T.
Identifiers: ClinVar variation 1421676 (VCV001421676.6), dbSNP rs780327383, ClinGen allele CA3101580.
Genomic context (GRCh38, chr4:150,315,612, plus strand): 5'-GTGACAGACCTATGAGAGGATCGATTTCCACTGGCAGCTGGTATGGCTGGTCTTGTACAG[C>T]ACCTTGATGAGCTGGAATTCACAAAAGATAAAGAAAAAAGGCATTATTTTTTATATACTA-3'
Protein context (NP_001351834.1, residues 2538-2558): KWHNLPAHQG[Ala2548Thr]VQDQPYQLPV

ClinVar aggregate classification (germline): Uncertain significance. Review status: criteria provided, multiple submitters, no conflicts (2 of 4 stars). 2 submissions from 2 submitters: Uncertain significance (2). Last evaluated 2025-11-08.

Conditions:
Combined immunodeficiency due to LRBA deficiency. Also called: Common variable immunodeficiency 8, with autoimmunity. Identifiers: Orphanet 445018, MedGen C3553512, MONDO:0013863, OMIM 614700.
Inborn genetic diseases. Identifiers: MedGen C0950123, MeSH D030342.

gnomAD v4.1: 20 of 1,582,942 alleles (0.0013%); highest among the groups gnomAD compares: East Asian, 0.041%; no homozygotes.

Submissions (2):

Ambry Genetics
Classification: Uncertain significance for Inborn genetic diseases. Last evaluated: 2025-11-08. Review status: criteria provided, single submitter. Criteria: Ambry Variant Classification Scheme 2023. Collection method: clinical testing. Allele origin: germline.

Labcorp Genetics (formerly Invitae), Labcorp
Classification: Uncertain significance for Combined immunodeficiency due to LRBA deficiency. Last evaluated: 2021-09-24. Review status: criteria provided, single submitter. Criteria: Invitae Variant Classification Sherloc (09022015). Collection method: clinical testing. Allele origin: germline.
Comment: This sequence change replaces alanine with threonine at codon 2559 of the LRBA protein (p.Ala2559Thr). The alanine residue is moderately conserved and there is a small physicochemical difference between alanine and threonine. This variant is present in population databases (rs780327383, ExAC 0.05%). This variant has not been reported in the literature in individuals with LRBA-related conditions. Algorithms developed to predict the effect of missense changes on protein structure and function (SIFT, PolyPhen-2, Align-GVGD) all suggest that this variant is likely to be tolerated, but these predictions have not been confirmed by published functional studies and their clinical significance is uncertain. In summary, the available evidence is currently insufficient to determine the role of this variant in disease. Therefore, it has been classified as a Variant of Uncertain Significance.